The following is an entry in ClinVar:

NM_000137.4(FAH):c.269C>T (p.Ser90Phe)

Gene: FAH (fumarylacetoacetate hydrolase; plus strand). Cytogenetic location: 15q25.1.
Variant type: single nucleotide variant.
Coding change: c.269C>T on transcript NM_000137.4 (MANE Select); coding-DNA position 269, C replaced by T.
Protein change: p.Ser90Phe; replaces serine 90 with phenylalanine.
Molecular consequence: missense variant.
Genome position (GRCh38, 1-based): chr15:80,159,832, C>T. VCF-style: chr15-80159832-C-T. GRCh37 (hg19) VCF-style: chr15-80452174-C-T.
Other names: c.269C>T, p.Ser90Phe (NM_001374377.1, NM_001374380.1); short protein forms S90F.
Identifiers: ClinVar variation 3659800 (VCV003659800.2).
Genomic context (GRCh38, chr15:80,159,832, plus strand): 5'-TCATGGGCCTGGGTCAGGCTGCCTGGAAGGAGGCGAGAGTGTTCTTGCAGAACTTGCTGT[C>T]TGTGAGCCAAGCCAGGCTCAGAGATGACACCGAACTTCGGAAGTGGTGAGAAGCACGTGG-3'
Protein context (NP_000128.1, residues 80-100): EARVFLQNLL[Ser90Phe]VSQARLRDDT

ClinVar aggregate classification (germline): Uncertain significance (1 of 4 stars; one submission).

Conditions:
Tyrosinemia type I (TYRSN1). Also called: Tyrosinemia type 1; Fumarylacetoacetase deficiency; Deficiency of fumarylacetoacetase; FAH DEFICIENCY; HEPATORENAL TYROSINEMIA. Identifiers: Orphanet 882, MedGen C0268490, MONDO:0010161, OMIM 276700. Disease mechanism: loss of function.

Submission:

Labcorp Genetics (formerly Invitae), Labcorp
Classification: Uncertain significance for Tyrosinemia type I. Last evaluated: 2024-10-08. Review status: criteria provided, single submitter. Criteria: Invitae Variant Classification Sherloc (09022015). Collection method: clinical testing. Allele origin: germline.
Comment: This sequence change replaces serine, which is neutral and polar, with phenylalanine, which is neutral and non-polar, at codon 90 of the FAH protein (p.Ser90Phe). This variant is not present in population databases (gnomAD no frequency). This variant has not been reported in the literature in individuals affected with FAH-related conditions. Invitae Evidence Modeling of protein sequence and biophysical properties (such as structural, functional, and spatial information, amino acid conservation, physicochemical variation, residue mobility, and thermodynamic stability) indicates that this missense variant is expected to disrupt FAH protein function with a positive predictive value of 80%. In summary, the available evidence is currently insufficient to determine the role of this variant in disease. Therefore, it has been classified as a Variant of Uncertain Significance.